The following is an entry in ClinVar:

NM_001267550.2(TTN):c.29178C>A (p.Ile9726=)

Gene: TTN (titin; minus strand). Cytogenetic location: 2q31.2.
Variant type: single nucleotide variant.
Coding change: c.29178C>A on transcript NM_001267550.2 (MANE Select); coding-DNA position 29178, C replaced by A.
Protein change: p.Ile9726=; no amino-acid change (isoleucine 9726 retained).
Molecular consequence: synonymous variant. On other transcripts: intron variant (3).
Genome position (GRCh38, 1-based): chr2:178,706,696, G>T on the plus strand (C>A on the coding strand, the complement: TTN is on the minus strand). VCF-style: chr2-178706696-G-T. GRCh37 (hg19) VCF-style: chr2-179571423-G-T.
Other names: p.I9409I:ATC>ATA; p.Ile8482=; c.25446C>A, p.Ile8482= (NM_133378.4); c.13282+31386C>A (NM_003319.4); c.13858+31386C>A (NM_133437.4); c.13657+31386C>A (NM_133432.3); c.28227C>A, p.Ile9409= (NM_001256850.1).
Identifiers: ClinVar variation 46819 (VCV000046819.52), dbSNP rs72650003, ClinGen allele CA283046.
Genomic context (GRCh38, chr2:178,706,696, plus strand): 5'-GAAAACACGACCTCCTTGGTTCAGCTGTCTCCACTTCCCTTTTGTCCATTTAACATTTGG[G>T]ATTGGGTCACCTCCAACTTTTGCAATGAAGGTCGCAGTGGTTTCTAAGGAATAATGAAAA-3'
Protein context (NP_001254479.2, residues 9716-9736): TFIAKVGGDP[Ile9726=]PNVKWTKGKW

ClinVar aggregate classification (germline): Benign/Likely benign. Review status: criteria provided, multiple submitters, no conflicts (2 of 4 stars). 28 submissions from 21 submitters: Benign (20); Likely benign (2). 6 of the submissions do not count toward it. Last evaluated 2026-02-03.

Conditions:
Dilated cardiomyopathy 1G (CMD1G). Identifiers: Orphanet 154, MedGen C1858763, MONDO:0011400, OMIM 604145.
Autosomal recessive limb-girdle muscular dystrophy type 2J (LGMDR10). Also called: MUSCULAR DYSTROPHY, LIMB-GIRDLE, AUTOSOMAL RECESSIVE 10; Limb-girdle muscular dystrophy, type 2J. Identifiers: Orphanet 140922, MedGen C1837342, MONDO:0012127, OMIM 608807.
Cardiovascular phenotype. Identifiers: MedGen CN230736.
Cardiomyopathy (CMYO). Also called: Cardiomyopathies. Identifiers: Orphanet 167848, MedGen C0878544, MONDO:0004994, HP:0001638. Inheritance: Various modes of inheritance.
Early-onset myopathy with fatal cardiomyopathy (CMYO5). Also called: CONGENITAL MYOPATHY 5 WITH CARDIOMYOPATHY; Salih Myopathy. Identifiers: Orphanet 289377, MedGen C2673677, MONDO:0012714, OMIM 611705. Disease mechanism: loss of function.
Tibial muscular dystrophy (TMD). Also called: Udd Distal Myopathy – Tibial Muscular Dystrophy; Tibial muscular dystrophy, tardive; UDD MYOPATHY. Identifiers: Orphanet 609, MedGen C1838244, MONDO:0010870, OMIM 600334.
Myopathy, myofibrillar, 9, with early respiratory failure (MFM9). Also called: Myopathy, distal, with early respiratory failure, autosomal dominant; Hereditary myopathy with early respiratory failure; MYOPATHY, PROXIMAL, WITH EARLY RESPIRATORY MUSCLE INVOLVEMENT; EDSTROM MYOPATHY. Identifiers: Orphanet 178464, Orphanet 34521, MedGen C1863599, MONDO:0011362, OMIM 603689.

Allele frequency attached by ClinVar (database versions not stated): ESP Exome Variant Server 0.00185; gnomAD exomes 0.00407 and 0.00587; TOPMed 0.00344; gnomAD 0.00545; ExAC 0.00591; 1000 Genomes Project 30x 0.00906; 1000 Genomes Project 0.01018.
gnomAD v4.1: 6,526 of 1,612,982 alleles (0.4%); highest among the groups gnomAD compares: East Asian, 3.7%; 51 homozygotes.

Submissions (28):

Labcorp Genetics (formerly Invitae), Labcorp
Classification: Benign for Dilated cardiomyopathy 1G; Autosomal recessive limb-girdle muscular dystrophy type 2J. Last evaluated: 2026-02-03. Review status: criteria provided, single submitter. Criteria: Invitae Variant Classification Sherloc (09022015). Collection method: clinical testing. Allele origin: germline.

Molecular Diagnostic Laboratory for Inherited Cardiovascular Disease, Montreal Heart Institute
Classification: Benign. Last evaluated: 2025-04-09. Review status: criteria provided, single submitter. Criteria: ACMG Guidelines, 2015. Collection method: clinical testing. Allele origin: germline. Affected: no.

Athena Diagnostics
Classification: Benign. Last evaluated: 2025-03-14. Review status: criteria provided, single submitter. Criteria: Athena Diagnostics Criteria. Collection method: clinical testing. Allele origin: unknown.
Comment: The frequency of this variant in the general population is higher than would generally be expected for pathogenic variants in this gene. Computational tools yielded predictions that this variant is unlikely to have an effect on normal RNA splicing. This nucleotide position exhibits low evolutionary conservation.

Blueprint Genetics
Classification: Benign. Last evaluated: 2024-11-26. Review status: criteria provided, single submitter. Criteria: ACMG Guidelines, 2015. Collection method: clinical testing. Allele origin: germline.

Mayo Clinic Laboratories, Mayo Clinic
Classification: Benign. Last evaluated: 2024-10-31. Review status: criteria provided, single submitter. Criteria: ACMG Guidelines, 2015. Collection method: clinical testing. Allele origin: germline. Observed: 17 variant alleles.

ARUP Laboratories, Molecular Genetics and Genomics, ARUP Laboratories
Classification: Benign. Last evaluated: 2023-09-25. Review status: criteria provided, single submitter. Criteria: ARUP Molecular Germline Variant Investigation Process 2024. Collection method: clinical testing. Allele origin: germline.

Genome-Nilou Lab
Classification: Benign for Autosomal recessive limb-girdle muscular dystrophy type 2J. Last evaluated: 2021-09-10. Review status: criteria provided, single submitter. Criteria: ACMG Guidelines, 2015. Collection method: clinical testing. Allele origin: germline. Affected: no.

Genome-Nilou Lab
Classification: Benign for Myopathy, myofibrillar, 9, with early respiratory failure. Last evaluated: 2021-09-10. Review status: criteria provided, single submitter. Criteria: ACMG Guidelines, 2015. Collection method: clinical testing. Allele origin: germline. Affected: no.

Genome-Nilou Lab
Classification: Benign for Early-onset myopathy with fatal cardiomyopathy. Last evaluated: 2021-09-10. Review status: criteria provided, single submitter. Criteria: ACMG Guidelines, 2015. Collection method: clinical testing. Allele origin: germline. Affected: no.

Genome-Nilou Lab
Classification: Benign for Tibial muscular dystrophy. Last evaluated: 2021-09-10. Review status: criteria provided, single submitter. Criteria: ACMG Guidelines, 2015. Collection method: clinical testing. Allele origin: germline. Affected: no.

Women's Health and Genetics/Laboratory Corporation of America, LabCorp
Classification: Benign. Last evaluated: 2020-02-29. Review status: criteria provided, single submitter. Criteria: LabCorp Variant Classification Summary - May 2015. Collection method: clinical testing. Allele origin: germline.

CHEO Genetics Diagnostic Laboratory, Children's Hospital of Eastern Ontario
Classification: Benign for Cardiomyopathy. Last evaluated: 2018-01-29. Review status: criteria provided, single submitter. Criteria: ACMG Guidelines, 2015. Collection method: clinical testing. Allele origin: germline.

Illumina Laboratory Services, Illumina
Classification: Likely benign for Dilated cardiomyopathy 1G. Last evaluated: 2018-01-13. Review status: criteria provided, single submitter. Criteria: ICSL Variant Classification Criteria 13 December 2019. Collection method: clinical testing. Allele origin: germline.
Comment: This variant was observed in the ICSL laboratory as part of a predisposition screen in an ostensibly healthy population. It had not been previously curated by ICSL or reported in the Human Gene Mutation Database (HGMD: prior to June 1st, 2018), and was therefore a candidate for classification through an automated scoring system. Utilizing variant allele frequency, disease prevalence and penetrance estimates, and inheritance mode, an automated score was calculated to assess if this variant is too frequent to cause the disease. Based on the score and internal cut-off values, a variant classified as likely benign is not then subjected to further curation. The score for this variant resulted in a classification of likely benign for this disease.

Illumina Laboratory Services, Illumina
Classification: Benign for Myopathy, myofibrillar, 9, with early respiratory failure. Last evaluated: 2018-01-13. Review status: criteria provided, single submitter. Criteria: ICSL Variant Classification Criteria 13 December 2019. Collection method: clinical testing. Allele origin: germline.
Comment: This variant was observed in the ICSL laboratory as part of a predisposition screen in an ostensibly healthy population. It had not been previously curated by ICSL or reported in the Human Gene Mutation Database (HGMD: prior to June 1st, 2018), and was therefore a candidate for classification through an automated scoring system. Utilizing variant allele frequency, disease prevalence and penetrance estimates, and inheritance mode, an automated score was calculated to assess if this variant is too frequent to cause the disease. Based on the score and internal cut-off values, a variant classified as benign is not then subjected to further curation. The score for this variant resulted in a classification of benign for this disease.

Illumina Laboratory Services, Illumina
Classification: Benign for Early-onset myopathy with fatal cardiomyopathy. Last evaluated: 2018-01-13. Review status: criteria provided, single submitter. Criteria: ICSL Variant Classification Criteria 13 December 2019. Collection method: clinical testing. Allele origin: germline.
Comment: the same text as in the submission from Illumina Laboratory Services, Illumina above.

Illumina Laboratory Services, Illumina
Classification: Benign for Tibial muscular dystrophy. Last evaluated: 2018-01-13. Review status: criteria provided, single submitter. Criteria: ICSL Variant Classification Criteria 13 December 2019. Collection method: clinical testing. Allele origin: germline.
Comment: the same text as in the submission from Illumina Laboratory Services, Illumina above.

Illumina Laboratory Services, Illumina
Classification: Benign for Autosomal recessive limb-girdle muscular dystrophy type 2J. Last evaluated: 2018-01-13. Review status: criteria provided, single submitter. Criteria: ICSL Variant Classification Criteria 13 December 2019. Collection method: clinical testing. Allele origin: germline.
Comment: the same text as in the submission from Illumina Laboratory Services, Illumina above.

Eurofins Ntd Llc (ga)
Classification: Benign. Last evaluated: 2015-09-14. Review status: criteria provided, single submitter. Criteria: EGL Classification Definitions 2015. Collection method: clinical testing. Allele origin: germline. Observed: 1 variant allele, 1 heterozygote.

GeneDx
Classification: Benign. Last evaluated: 2014-04-19. Review status: criteria provided, single submitter. Criteria: GeneDx Variant Classification (06012015). Collection method: clinical testing. Allele origin: germline. Affected: yes.
Comment: This variant is considered likely benign or benign based on one or more of the following criteria: it is a conservative change, it occurs at a poorly conserved position in the protein, it is predicted to be benign by multiple in silico algorithms, and/or has population frequency not consistent with disease.

Ambry Genetics
Classification: Benign for Cardiovascular phenotype. Last evaluated: 2013-07-17. Review status: criteria provided, single submitter. Criteria: Ambry Autosomal Dominant and X-Linked criteria (10/2015). Collection method: clinical testing. Allele origin: germline. Observed: 1 variant allele.

Laboratory for Molecular Medicine, Mass General Brigham Personalized Medicine
Classification: Benign. Last evaluated: 2011-12-16. Review status: criteria provided, single submitter. Criteria: LMM Criteria. Collection method: clinical testing. Allele origin: germline. Observed: 21 variant alleles.

Breakthrough Genomics
Classification: Likely benign. Review status: criteria provided, single submitter. Criteria: ACMG Guidelines, 2015. Collection method: not provided. Allele origin: germline. Inheritance: Autosomal recessive inheritance. Affected: yes.

Clinical Genetics DNA and cytogenetics Diagnostics Lab, Erasmus MC, Erasmus Medical Center
Classification: Benign. Review status: no assertion criteria provided. Collection method: clinical testing. Allele origin: germline. Affected: yes. Study: VKGL Data-share Consensus. Not counted in ClinVar's aggregate classification.

Clinical Genetics, Academic Medical Center
Classification: Benign. Review status: no assertion criteria provided. Collection method: clinical testing. Allele origin: germline. Affected: yes. Study: VKGL Data-share Consensus. Not counted in ClinVar's aggregate classification.

Diagnostic Laboratory, Department of Genetics, University Medical Center Groningen
Classification: Likely benign. Review status: no assertion criteria provided. Collection method: clinical testing. Allele origin: germline. Affected: yes. Study: VKGL Data-share Consensus. Not counted in ClinVar's aggregate classification.

Genetic Services Laboratory, University of Chicago
Classification: Likely benign for AllHighlyPenetrant. Review status: no assertion criteria provided. Collection method: clinical testing. Allele origin: germline. Not counted in ClinVar's aggregate classification.
Comment: Likely benign based on allele frequency in 1000 Genomes Project or ESP global frequency and its presence in a patient with a rare or unrelated disease phenotype. NOT Sanger confirmed.

Joint Genome Diagnostic Labs from Nijmegen and Maastricht, Radboudumc and MUMC+
Classification: Benign. Review status: no assertion criteria provided. Collection method: clinical testing. Allele origin: germline. Affected: yes. Study: VKGL Data-share Consensus. Not counted in ClinVar's aggregate classification.

Laboratory of Diagnostic Genome Analysis, Leiden University Medical Center (LUMC)
Classification: Likely benign. Review status: no assertion criteria provided. Collection method: clinical testing. Allele origin: germline. Affected: yes. Study: VKGL Data-share Consensus. Not counted in ClinVar's aggregate classification.